The following is an entry in ClinVar:

ClinVar aggregate classification (germline): Likely pathogenic (1 of 4 stars; one submission).

Conditions:
Autosomal recessive Alport syndrome (ATS2). Also called: COL4A3-Related Nephropathy; COL4A4 Alport Syndrome and Thin Basement Membrane Nephropathy; ALPORT SYNDROME 2, AUTOSOMAL RECESSIVE; Alport syndrome type 2. Identifiers: Orphanet 63, Orphanet 88919, MedGen C4746745, MONDO:0008762, OMIM 203780.

Submission:

Myriad Genetics, Inc.
Classification: Likely pathogenic for Autosomal recessive Alport syndrome. Last evaluated: 2022-03-15. Review status: criteria provided, single submitter. Criteria: Myriad Women's Health Autosomal Recessive and X-Linked Classification Criteria (2021). Collection method: clinical testing. Allele origin: unknown.
Comment: NM_000091.4(COL4A3):c.3292G>T(G1098*) is expected to be pathogenic in the context of COL4A3-related Alport syndrome. This variant is predicted to lead to an abnormal or absent protein product due to the creation of a premature termination codon in COL4A3, a gene where loss-of-function variants are known to be pathogenic. Please note: this variant was assessed in the context of healthy population screening.

NM_000091.5(COL4A3):c.3292G>T (p.Gly1098Ter)

Genes: COL4A3 (collagen type IV alpha 3 chain; plus strand), MFF-DT (MFF divergent transcript; minus strand). Cytogenetic location: 2q36.3.
Variant type: single nucleotide variant.
Coding change: c.3292G>T on transcript NM_000091.5 (MANE Select); coding-DNA position 3292, G replaced by T.
Protein change: p.Gly1098Ter; replaces glycine 1098 with a stop codon.
Molecular consequence: nonsense.
Genome position (GRCh38, 1-based): chr2:227,293,272, G>T. VCF-style: chr2-227293272-G-T. GRCh37 (hg19) VCF-style: chr2-228157988-G-T.
Other names: short protein forms G1098*.
Identifiers: ClinVar variation 1725276 (VCV001725276.2), dbSNP rs2469850008, ClinGen allele CA350857686.